The following is an entry in ClinVar:

NM_001040142.2(SCN2A):c.56G>A (p.Arg19Lys)

Gene: SCN2A (sodium voltage-gated channel alpha subunit 2; plus strand). Cytogenetic location: 2q24.3.
Variant type: single nucleotide variant.
Coding change: c.56G>A on transcript NM_001040142.2 (MANE Select); coding-DNA position 56, G replaced by A.
Protein change: p.Arg19Lys; replaces arginine 19 with lysine.
Molecular consequence: missense variant.
Genome position (GRCh38, 1-based): chr2:165,295,879, G>A. VCF-style: chr2-165295879-G-A. GRCh37 (hg19) VCF-style: chr2-166152389-G-A.
Other names: NM_001040142.2(SCN2A):c.56G>A; c.56G>A, p.Arg19Lys (NM_001040143.2, NM_001371246.1, NM_001371247.1 and 1 more transcripts); short protein forms R19K.
Identifiers: ClinVar variation 130224 (VCV000130224.32), dbSNP rs17183814, ClinGen allele CA155062.

ClinVar aggregate classification (germline): Benign. Review status: reviewed by expert panel (3 of 4 stars). 9 submissions from 9 submitters: Benign (1). 8 of the submissions do not count toward it. Last evaluated 2024-05-07.

Conditions:
Complex neurodevelopmental disorder. Identifiers: Orphanet 528084, MedGen C5568766, MONDO:0100038.
Inborn genetic diseases. Identifiers: MedGen C0950123, MeSH D030342.
Developmental and epileptic encephalopathy, 11 (DEE11). Also called: Early infantile epileptic encephalopathy 11. Identifiers: Orphanet 1934, MedGen C3150987, MONDO:0013388, OMIM 613721.
Seizures, benign familial infantile, 3 (BFIS3). Also called: CONVULSIONS, BENIGN FAMILIAL INFANTILE, 3; Familial neonatal seizures. Identifiers: Orphanet 140927, Orphanet 306, MedGen C1843140, MONDO:0011904, OMIM 607745.

Allele frequency attached by ClinVar (database versions not stated): ESP Exome Variant Server 0.05874; gnomAD 0.06063 and 0.06333; TOPMed 0.06664; gnomAD exomes 0.07645 and 0.08432; 1000 Genomes Project 30x 0.08167; ExAC 0.08200; 1000 Genomes Project 0.08387.
gnomAD v4.1: 121,328 of 1,614,062 alleles (7.5%); highest among the groups gnomAD compares: South Asian, 12%; 4,993 homozygotes.

Submissions (14):

ClinGen Epilepsy Sodium Channel Variant Curation Expert Panel, Clingen
Classification: Benign for Complex neurodevelopmental disorder. Last evaluated: 2024-05-07. Review status: reviewed by expert panel. Criteria: ClinGen EpilepsySCN ACMG Specifications SCN2A V1.0.0. Collection method: curation. Allele origin: germline. Inheritance: Autosomal dominant inheritance.
Comment: The c.56G>A variant in SCN2A is a missense variant predicted to cause substitution of arginine by lysine at amino acid 19 (p.Arg19Lys). This variant is present at an allele frequency of 8% of the total population in gnomAD (v2.1.1), with the highest sub-population allele frequency in the East Asian population with an AF of 15%, which exceeds the threshold of 0.01% to meet the stand-alone criterion for Benign (BA1). This variant has not been reported in the literature to date in an individual with a complex neurodevelopmental disorder (PS2_not met, PM6_not met, PS4_not met). The variant has not been functionally characterized, and is not located in a pathogenic enriched region defined as a mutational hotspot (PM1_not met). In summary, this variant meets the criteria to be classified as BENIGN for AUTOSOMAL DOMINANT COMPLEX NEURODEVELOPMENTAL DISORDER based on the ACMG/AMP criteria applied, as specified by the ClinGen Epilepsy Sodium Channel VCEP: BA1 (Epilepsy Sodium Channel VCEP specifications, version 1.0; approved 6/13/23).

Labcorp Genetics (formerly Invitae), Labcorp
Classification: Benign for Seizures, benign familial infantile, 3; Developmental and epileptic encephalopathy, 11. Last evaluated: 2026-02-03. Review status: criteria provided, single submitter. Criteria: Invitae Variant Classification Sherloc (09022015). Collection method: clinical testing. Allele origin: germline. Not counted in ClinVar's aggregate classification.

Mayo Clinic Laboratories, Mayo Clinic
Classification: Benign. Last evaluated: 2022-03-24. Review status: criteria provided, single submitter. Criteria: ACMG Guidelines, 2015. Collection method: clinical testing. Allele origin: germline. Observed: 212 variant alleles. Not counted in ClinVar's aggregate classification.

Illumina Laboratory Services, Illumina
Classification: Benign for Seizures, benign familial infantile, 3. Last evaluated: 2018-01-12. Review status: criteria provided, single submitter. Criteria: ICSL Variant Classification Criteria 13 December 2019. Collection method: clinical testing. Allele origin: germline. Not counted in ClinVar's aggregate classification.
Comment: This variant was observed in the ICSL laboratory as part of a predisposition screen in an ostensibly healthy population. It had not been previously curated by ICSL or reported in the Human Gene Mutation Database (HGMD: prior to June 1st, 2018), and was therefore a candidate for classification through an automated scoring system. Utilizing variant allele frequency, disease prevalence and penetrance estimates, and inheritance mode, an automated score was calculated to assess if this variant is too frequent to cause the disease. Based on the score and internal cut-off values, a variant classified as benign is not then subjected to further curation. The score for this variant resulted in a classification of benign for this disease.

Ambry Genetics
Classification: Benign for Inborn genetic diseases. Last evaluated: 2016-01-08. Review status: criteria provided, single submitter. Criteria: Ambry Variant Classification Scheme 2023. Collection method: clinical testing. Allele origin: germline. Not counted in ClinVar's aggregate classification.

GeneDx
Classification: Benign. Last evaluated: 2015-03-03. Review status: criteria provided, single submitter. Criteria: GeneDx Variant Classification Process June 2021. Collection method: clinical testing. Allele origin: germline. Affected: yes. Not counted in ClinVar's aggregate classification.

Breakthrough Genomics
Classification: Benign. Review status: criteria provided, single submitter. Criteria: ACMG Guidelines, 2015. Collection method: not provided. Allele origin: germline. Inheritance: Autosomal dominant inheritance. Affected: yes. Not counted in ClinVar's aggregate classification.

PreventionGenetics, part of Exact Sciences
Classification: Benign. Review status: criteria provided, single submitter. Criteria: ACMG Guidelines, 2015. Collection method: clinical testing. Allele origin: germline. Not counted in ClinVar's aggregate classification.

Dr. Peter K. Rogan Lab, Western University
No classification provided (evidence only). Condition: Nonpapillary renal cell carcinoma. Review status: no classification provided. Collection method: in vitro. Allele origin: not applicable. Functional consequence: retained intron. Not counted in ClinVar's aggregate classification.

Dr. Peter K. Rogan Lab, Western University
No classification provided (evidence only). Condition: Nonpapillary renal cell carcinoma. Review status: no classification provided. Collection method: in vitro. Allele origin: not applicable. Functional consequence: retained intron. Not counted in ClinVar's aggregate classification.

Dr. Peter K. Rogan Lab, Western University
No classification provided (evidence only). Condition: Cholangiocarcinoma. Review status: no classification provided. Collection method: in vitro. Allele origin: not applicable. Functional consequence: retained intron. Not counted in ClinVar's aggregate classification.

Dr. Peter K. Rogan Lab, Western University
No classification provided (evidence only). Condition: Adrenocortical carcinoma, hereditary. Review status: no classification provided. Collection method: in vitro. Allele origin: not applicable. Functional consequence: retained intron. Not counted in ClinVar's aggregate classification.

Dr. Peter K. Rogan Lab, Western University
No classification provided (evidence only). Condition: Adrenocortical carcinoma, hereditary. Review status: no classification provided. Collection method: in vitro. Allele origin: not applicable. Functional consequence: retained intron. Not counted in ClinVar's aggregate classification.

Genetic Services Laboratory, University of Chicago
Classification: Likely benign for AllHighlyPenetrant. Review status: no assertion criteria provided. Collection method: clinical testing. Allele origin: germline. Inheritance: Autosomal dominant inheritance. Not counted in ClinVar's aggregate classification.
Comment: Likely benign based on allele frequency in 1000 Genomes Project or ESP global frequency and its presence in a patient with a rare or unrelated disease phenotype. NOT Sanger confirmed.